The following is an entry in ClinVar:

ClinVar aggregate classification (germline): Benign (1 of 4 stars; one submission).

Conditions:
Cayman type cerebellar ataxia. Also called: Cayman ataxia. Identifiers: Orphanet 94122, MedGen C1832585, MONDO:0011025, OMIM 601238.

Allele frequency attached by ClinVar (database versions not stated): gnomAD 0.00071 and 0.00084; TOPMed 0.00100; 1000 Genomes Project 0.00479.

Submission:

Illumina Laboratory Services, Illumina
Classification: Benign for Cayman type cerebellar ataxia. Last evaluated: 2018-01-13. Review status: criteria provided, single submitter. Criteria: ICSL Variant Classification Criteria 13 December 2019. Collection method: clinical testing. Allele origin: germline.
Comment: This variant was observed in the ICSL laboratory as part of a predisposition screen in an ostensibly healthy population. It had not been previously curated by ICSL or reported in the Human Gene Mutation Database (HGMD: prior to June 1st, 2018), and was therefore a candidate for classification through an automated scoring system. Utilizing variant allele frequency, disease prevalence and penetrance estimates, and inheritance mode, an automated score was calculated to assess if this variant is too frequent to cause the disease. Based on the score and internal cut-off values, a variant classified as benign is not then subjected to further curation. The score for this variant resulted in a classification of benign for this disease.

NM_033064.5(ATCAY):c.-241C>T

Gene: ATCAY (ATCAY kinesin light chain interacting caytaxin; plus strand). Cytogenetic location: 19p13.3.
Variant type: single nucleotide variant.
Coding change: c.-241C>T on transcript NM_033064.5 (MANE Select); 241 bases upstream of the start codon, C replaced by T.
Molecular consequence: 5 prime UTR variant.
Genome position (GRCh38, 1-based): chr19:3,880,809, C>T. VCF-style: chr19-3880809-C-T. GRCh37 (hg19) VCF-style: chr19-3880807-C-T.
Identifiers: ClinVar variation 891421 (VCV000891421.4), dbSNP rs376727951, ClinGen allele CA304409125.